The following is an entry in ClinVar:

NM_147127.5(EVC2):c.2930G>A (p.Arg977Gln)

Gene: EVC2 (EvC ciliary complex subunit 2; minus strand). Cytogenetic location: 4p16.2.
Variant type: single nucleotide variant.
Coding change: c.2930G>A on transcript NM_147127.5 (MANE Select); coding-DNA position 2930, G replaced by A.
Protein change: p.Arg977Gln; replaces arginine 977 with glutamine.
Molecular consequence: missense variant.
Genome position (GRCh38, 1-based): chr4:5,584,750, C>T on the plus strand (G>A on the coding strand, the complement: EVC2 is on the minus strand). VCF-style: chr4-5584750-C-T. GRCh37 (hg19) VCF-style: chr4-5586477-C-T.
Other names: c.2690G>A, p.Arg897Gln (NM_001166136.2); short protein forms R897Q, R977Q.
Identifiers: ClinVar variation 3760996 (VCV003760996.2).

ClinVar aggregate classification (germline): Uncertain significance (1 of 4 stars; one submission).

Conditions:
Curry-Hall syndrome (WAD). Also called: WEYERS ACRODENTAL DYSOSTOSIS. Identifiers: Orphanet 952, MedGen C0457013, MONDO:0008673, OMIM 193530.
Ellis-van Creveld syndrome (EVC). Also called: EVC-Related Ellis-van Creveld Syndrome; EVC2-Related Ellis-van Creveld Syndrome; MESOECTODERMAL DYSPLASIA; Chondroectodermal dysplasia. Identifiers: Orphanet 289, MedGen C0013903, MONDO:0009162, OMIM 225500.

gnomAD v4.1: 37 of 1,613,962 alleles (0.0023%); highest among the groups gnomAD compares: East Asian, 0.011%; no homozygotes.

Submission:

Labcorp Genetics (formerly Invitae), Labcorp
Classification: Uncertain significance for Curry-Hall syndrome; Ellis-van Creveld syndrome. Last evaluated: 2025-04-14. Review status: criteria provided, single submitter. Criteria: Invitae Variant Classification Sherloc (09022015). Collection method: clinical testing. Allele origin: germline.
Comment: This sequence change replaces arginine, which is basic and polar, with glutamine, which is neutral and polar, at codon 977 of the EVC2 protein (p.Arg977Gln). This variant is present in population databases (rs371489519, gnomAD 0.008%). This variant has not been reported in the literature in individuals affected with EVC2-related conditions. ClinVar contains an entry for this variant (Variation ID: 3760996). An algorithm developed to predict the effect of missense changes on protein structure and function outputs the following: PolyPhen-2: "Benign". The glutamine amino acid residue is found in multiple mammalian species, which suggests that this missense change does not adversely affect protein function. In summary, the available evidence is currently insufficient to determine the role of this variant in disease. Therefore, it has been classified as a Variant of Uncertain Significance.